The following is an entry in ClinVar:

ClinVar aggregate classification (germline): Conflicting classifications of pathogenicity. Review status: criteria provided, conflicting classifications (1 of 4 stars). 7 submissions from 7 submitters: Uncertain significance (3); Likely benign (4). Last evaluated 2026-03-27.

Conditions:
DOLK-related disorder. Also called: DOLK-related condition.
Cardiovascular phenotype. Identifiers: MedGen CN230736.
DK1-congenital disorder of glycosylation. Also called: DK1-CDG; DOLK-congenital disorder of glycosylation; Carbohydrate deficient glycoprotein syndrome type 1m; CONGENITAL DISORDER OF GLYCOSYLATION, TYPE Im; CDG Im; DK1 DEFICIENCY. Identifiers: Orphanet 91131, MedGen C1835849, MONDO:0012556, OMIM 610768.

Allele frequency attached by ClinVar (database versions not stated): gnomAD exomes 0.00006 and 0.00012; ExAC 0.00012; ESP Exome Variant Server 0.00015; 1000 Genomes Project 30x 0.00016; 1000 Genomes Project 0.00020; gnomAD 0.00030 and 0.00031; TOPMed 0.00033.
gnomAD v4.1: 129 of 1,614,170 alleles (0.008%); highest among the groups gnomAD compares: African/African-American, 0.072%; no homozygotes.

Submissions (7):

Molecular Diagnostic Laboratory for Inherited Cardiovascular Disease, Montreal Heart Institute
Classification: Likely benign. Last evaluated: 2026-03-27. Review status: criteria provided, single submitter. Criteria: ACMG Guidelines, 2015. Collection method: clinical testing. Allele origin: germline. Affected: no.
Comment: BS1;BP4

PreventionGenetics, part of Exact Sciences
Classification: Uncertain significance for DOLK-related condition. Last evaluated: 2026-03-26. Review status: criteria provided, single submitter. Criteria: ACMG Guidelines, 2015. Collection method: clinical testing. Allele origin: germline.
Comment: The DOLK c.1394G>A variant is predicted to result in the amino acid substitution p.Arg465His. To our knowledge, this variant has not been reported in the literature. This variant is reported in 0.076% of alleles in individuals of African descent in gnomAD. Although we suspect that this variant may be benign, at this time, the clinical significance of this variant is uncertain due to the absence of conclusive functional and genetic evidence.

Blueprint Genetics
Classification: Likely benign. Last evaluated: 2024-08-22. Review status: criteria provided, single submitter. Criteria: ACMG Guidelines, 2015. Collection method: clinical testing. Allele origin: germline.

GeneDx
Classification: Uncertain significance. Last evaluated: 2024-06-03. Review status: criteria provided, single submitter. Criteria: GeneDx Variant Classification Process June 2021. Collection method: clinical testing. Allele origin: germline. Affected: yes.
Comment: In silico analysis supports that this missense variant has a deleterious effect on protein structure/function; Has not been previously published as pathogenic or benign to our knowledge

Labcorp Genetics (formerly Invitae), Labcorp
Classification: Uncertain significance for DK1-congenital disorder of glycosylation. Last evaluated: 2024-01-16. Review status: criteria provided, single submitter. Criteria: Invitae Variant Classification Sherloc (09022015). Collection method: clinical testing. Allele origin: germline.
Comment: This sequence change replaces arginine, which is basic and polar, with histidine, which is basic and polar, at codon 465 of the DOLK protein (p.Arg465His). This variant is present in population databases (rs148930043, gnomAD 0.08%). This variant has not been reported in the literature in individuals affected with DOLK-related conditions. ClinVar contains an entry for this variant (Variation ID: 227334). Advanced modeling of protein sequence and biophysical properties (such as structural, functional, and spatial information, amino acid conservation, physicochemical variation, residue mobility, and thermodynamic stability) performed at Invitae indicates that this missense variant is not expected to disrupt DOLK protein function with a negative predictive value of 80%. In summary, the available evidence is currently insufficient to determine the role of this variant in disease. Therefore, it has been classified as a Variant of Uncertain Significance.

Ambry Genetics
Classification: Likely benign for Cardiovascular phenotype. Last evaluated: 2021-11-04. Review status: criteria provided, single submitter. Criteria: Ambry Variant Classification Scheme 2023. Collection method: clinical testing. Allele origin: germline.

Laboratory for Molecular Medicine, Mass General Brigham Personalized Medicine
Classification: Likely benign. Last evaluated: 2015-03-12. Review status: criteria provided, single submitter. Criteria: LMM Criteria. Collection method: clinical testing. Allele origin: germline. Observed: 2 variant alleles.
Comment: p.Arg465His in exon 1 of DOLK: This variant is not expected to have clinical sig nificance due to a lack of conservation across species, including mammals. Of no te, more than 10 mammals have a histidine (His) at this position despite high ne arby amino acid conservation. In addition, computational prediction tools do not suggest a high likelihood of impact to the protein. This variant has also been identified in 0.1% (7/10396) of African chromosomes by the Exome Aggregation Con sortium (ExAC; dbSNP rs148930043).

NM_014908.4(DOLK):c.1394G>A (p.Arg465His)

Gene: DOLK (dolichol kinase; minus strand). Cytogenetic location: 9q34.11.
Variant type: single nucleotide variant.
Coding change: c.1394G>A on transcript NM_014908.4 (MANE Select); coding-DNA position 1394, G replaced by A.
Protein change: p.Arg465His; replaces arginine 465 with histidine.
Molecular consequence: missense variant.
Genome position (GRCh38, 1-based): chr9:128,945,910, C>T on the plus strand (G>A on the coding strand, the complement: DOLK is on the minus strand). VCF-style: chr9-128945910-C-T. GRCh37 (hg19) VCF-style: chr9-131708189-C-T.
Other names: short protein forms R465H.
Identifiers: ClinVar variation 227334 (VCV000227334.21), dbSNP rs148930043, ClinGen allele CA5271573.